The following is an entry in ClinVar:

ClinVar aggregate classification (germline): Benign. Review status: criteria provided, multiple submitters, no conflicts (2 of 4 stars). 4 submissions from 3 submitters: Benign (4). Last evaluated 2021-07-10.

Conditions:
Neuronal ceroid lipofuscinosis 8 northern epilepsy variant. Also called: EPILEPSY, PROGRESSIVE, WITH MENTAL RETARDATION; NORTHERN EPILEPSY. Identifiers: Orphanet 1947, MedGen C1864923, MONDO:0012391, OMIM 610003.
Neuronal ceroid lipofuscinosis 8 (CLN8). Also called: CLN8-Related Neuronal Ceroid-Lipofuscinosis. Identifiers: Orphanet 168491, Orphanet 228354, Orphanet 79264, MedGen C1838570, MONDO:0010830, OMIM 600143.

Allele frequency attached by ClinVar (database versions not stated): 1000 Genomes Project 0.03534; 1000 Genomes Project 30x 0.03607; TOPMed 0.06808; gnomAD 0.06988 and 0.07202.
gnomAD v4.1: 140,920 of 1,555,604 alleles (9.1%); highest among the groups gnomAD compares: Non-Finnish European, 10%; 7,119 homozygotes.

Submissions (4):

Genome-Nilou Lab
Classification: Benign for Neuronal ceroid lipofuscinosis 8. Last evaluated: 2021-07-10. Review status: criteria provided, single submitter. Criteria: ACMG Guidelines, 2015. Collection method: clinical testing. Allele origin: germline. Affected: no.

Genome-Nilou Lab
Classification: Benign for Neuronal ceroid lipofuscinosis 8 northern epilepsy variant. Last evaluated: 2021-07-10. Review status: criteria provided, single submitter. Criteria: ACMG Guidelines, 2015. Collection method: clinical testing. Allele origin: germline. Affected: no.

GeneDx
Classification: Benign. Last evaluated: 2018-06-18. Review status: criteria provided, single submitter. Criteria: GeneDx Variant Classification (06012015). Collection method: clinical testing. Allele origin: germline. Affected: yes.
Comment: This variant is considered likely benign or benign based on one or more of the following criteria: it is a conservative change, it occurs at a poorly conserved position in the protein, it is predicted to be benign by multiple in silico algorithms, and/or has population frequency not consistent with disease.

Breakthrough Genomics
Classification: Benign. Review status: criteria provided, single submitter. Criteria: ACMG Guidelines, 2015. Collection method: not provided. Allele origin: germline. Inheritance: Autosomal recessive inheritance. Affected: yes.

NM_018941.4(CLN8):c.544-124T>C

Gene: CLN8 (CLN8 transmembrane ER and ERGIC protein; plus strand). Cytogenetic location: 8p23.3.
Variant type: single nucleotide variant.
Coding change: c.544-124T>C on transcript NM_018941.4 (MANE Select); 124 bases into the intron before coding-DNA position 544, T replaced by C.
Molecular consequence: intron variant.
Genome position (GRCh38, 1-based): chr8:1,780,126, T>C. VCF-style: chr8-1780126-T-C. GRCh37 (hg19) VCF-style: chr8-1728292-T-C.
Identifiers: ClinVar variation 679917 (VCV000679917.5), dbSNP rs12546965, ClinGen allele CA15540310.